The following is an entry in ClinVar:

NM_001370259.2(MEN1):c.1123C>A (p.Leu375Met)

Gene: MEN1 (menin 1; minus strand). Cytogenetic location: 11q13.1.
Variant type: single nucleotide variant.
Coding change: c.1123C>A on transcript NM_001370259.2 (MANE Select); coding-DNA position 1123, C replaced by A.
Protein change: p.Leu375Met; replaces leucine 375 with methionine.
Molecular consequence: missense variant. On other transcripts: non-coding transcript variant (4).
Genome position (GRCh38, 1-based): chr11:64,805,697, G>T on the plus strand (C>A on the coding strand, the complement: MEN1 is on the minus strand). VCF-style: chr11-64805697-G-T. GRCh37 (hg19) VCF-style: chr11-64573169-G-T.
Other names: c.1264C>A, p.Leu422Met (NM_001407150.1); c.1144C>A, p.Leu382Met (NM_001407151.1); c.1123C>A, p.Leu375Met (NM_001407152.1, NM_130799.3, NM_001370260.2 and 3 more transcripts); c.1138C>A, p.Leu380Met (NM_130800.3, NM_130801.3, NM_130802.3 and 4 more transcripts); c.1249C>A, p.Leu417Met (NM_001370251.2, NM_001407142.1, NM_001407143.1 and 1 more transcripts); c.1018C>A, p.Leu340Met (NM_001370262.2, NM_001370263.2, NM_001407148.1 and 1 more transcripts); short protein forms L340M, L375M, L380M, L382M, L417M, L422M.
Identifiers: ClinVar variation 3070865 (VCV003070865.1), dbSNP rs1211957325, ClinGen allele CA381182450.

ClinVar aggregate classification (germline): Uncertain significance (1 of 4 stars; one submission).

Conditions:
Multiple endocrine neoplasia, type 1 (MEN1). Also called: MEN I; WERMER SYNDROME; Endocrine adenomatosis multiple; MEN 1; MEA I. Identifiers: Orphanet 652, MedGen C0025267, MeSH D018761, MONDO:0007540, OMIM 131100.

Submission:

All of Us Research Program, National Institutes of Health
Classification: Uncertain significance for Multiple endocrine neoplasia, type 1. Last evaluated: 2023-05-04. Review status: criteria provided, single submitter. Criteria: ACMG Guidelines, 2015. Collection method: clinical testing. Allele origin: germline. Inheritance: Autosomal dominant inheritance. Observed: 1 variant allele, 1 heterozygote.
Comment: This missense variant replaces leucine with methionine at codon 375 of the MEN1 protein. Computational prediction is inconclusive regarding the impact of this variant on protein structure and function (internally defined REVEL score threshold 0.5 < inconclusive < 0.7, PMID: 27666373). To our knowledge, functional studies have not been reported for this variant. This variant has not been reported in individuals affected with MEN1-related disorders in the literature. This variant has not been identified in the general population by the Genome Aggregation Database (gnomAD). The available evidence is insufficient to determine the role of this variant in disease conclusively. Therefore, this variant is classified as a Variant of Uncertain Significance.

This study involves interpretation of variants in research participants for the purpose of population health screening. Participant phenotype was not available at the time of variant classification. Additional details can be found in publication PMID: 35346344, PMCID: PMC8962531